The following is an entry in ClinVar:

ClinVar aggregate classification (germline): Benign. Review status: criteria provided, multiple submitters, no conflicts (2 of 4 stars). 3 submissions from 2 submitters: Benign (3). Last evaluated 2018-01-12.

Conditions:
Cone-rod dystrophy 11 (CORD11). Identifiers: Orphanet 1872, MedGen C1835865, MONDO:0012483, OMIM 610381.
Age related macular degeneration 6. Identifiers: MedGen C3151060, MONDO:0013406, OMIM 613757.

Allele frequency attached by ClinVar (database versions not stated): gnomAD exomes 0.21296; 1000 Genomes Project 0.22025; 1000 Genomes Project 30x 0.22533; gnomAD 0.25044 and 0.25783; TOPMed 0.25990.
gnomAD v4.1: 38,104 of 152,002 alleles (25%); highest among the groups gnomAD compares: African/African-American, 38%; 5,451 homozygotes.

Submissions (3):

Illumina Laboratory Services, Illumina
Classification: Benign for Age related macular degeneration 6. Last evaluated: 2018-01-12. Review status: criteria provided, single submitter. Criteria: ICSL Variant Classification Criteria 13 December 2019. Collection method: clinical testing. Allele origin: germline.
Comment: This variant was observed in the ICSL laboratory as part of a predisposition screen in an ostensibly healthy population. It had not been previously curated by ICSL or reported in the Human Gene Mutation Database (HGMD: prior to June 1st, 2018), and was therefore a candidate for classification through an automated scoring system. Utilizing variant allele frequency, disease prevalence and penetrance estimates, and inheritance mode, an automated score was calculated to assess if this variant is too frequent to cause the disease. Based on the score and internal cut-off values, a variant classified as benign is not then subjected to further curation. The score for this variant resulted in a classification of benign for this disease.

Illumina Laboratory Services, Illumina
Classification: Benign for Cone-rod dystrophy 11. Last evaluated: 2018-01-12. Review status: criteria provided, single submitter. Criteria: ICSL Variant Classification Criteria 13 December 2019. Collection method: clinical testing. Allele origin: germline.
Comment: the same text as in the submission from Illumina Laboratory Services, Illumina above.

Breakthrough Genomics
Classification: Benign. Review status: criteria provided, single submitter. Criteria: ACMG Guidelines, 2015. Collection method: not provided. Allele origin: germline. Inheritance: Autosomal recessive inheritance. Affected: yes.

NM_001319074.4(RAX2):c.*1366C>G

Gene: RAX2 (retina and anterior neural fold homeobox 2; minus strand). Cytogenetic location: 19p13.3.
Variant type: single nucleotide variant.
Coding change: c.*1366C>G on transcript NM_001319074.4 (MANE Select); 1366 bases downstream of the stop codon, C replaced by G.
Molecular consequence: 3 prime UTR variant.
Genome position (GRCh38, 1-based): chr19:3,769,255, G>C on the plus strand (C>G on the coding strand, the complement: RAX2 is on the minus strand). VCF-style: chr19-3769255-G-C. GRCh37 (hg19) VCF-style: chr19-3769253-G-C.
Other names: c.*1366C>G (NM_032753.4).
Identifiers: ClinVar variation 328942 (VCV000328942.6), dbSNP rs6510769, ClinGen allele CA10652401.